The following is an entry in ClinVar:

NM_005228.5(EGFR):c.2277_2278insT (p.Leu760fs)

Gene: EGFR (epidermal growth factor receptor; plus strand). Cytogenetic location: 7p11.2.
Variant type: Insertion.
Coding change: c.2277_2278insT on transcript NM_005228.5 (MANE Select); coding-DNA positions 2277 to 2278, T inserted.
Protein change: p.Leu760fs; shifts the reading frame from leucine 760.
Molecular consequence: frameshift variant.
Genome position: GRCh38 VCF-style: chr7-55174814-C-CT. GRCh37 (hg19) VCF-style: chr7-55242507-C-CT.
Other names: c.2142_2143insT, p.Leu715fs (NM_001346897.2, NM_001346899.2); c.2277_2278insT, p.Leu760fs (NM_001346898.2); c.2118_2119insT, p.Leu707fs (NM_001346900.2); c.1476_1477insT, p.Leu493fs (NM_001346941.2); short protein forms L715fs, L707fs, L493fs, L760fs.
Identifiers: ClinVar variation 163372 (VCV000163372.4), dbSNP rs727503018, ClinGen allele CA176006.

ClinVar aggregate classification (germline): Uncertain significance (0 of 4 stars; one submission).

Submission:

Laboratory for Molecular Medicine, Mass General Brigham Personalized Medicine
Classification: Uncertain significance. Last evaluated: 2006-10-28. Review status: no assertion criteria provided. Collection method: clinical testing. Allele origin: somatic. Observed: 1 variant allele.
Comment: (contact laboratory)